The following is an entry in ClinVar:

ClinVar aggregate classification (germline): Uncertain significance. Review status: criteria provided, multiple submitters, no conflicts (2 of 4 stars). 2 submissions from 2 submitters: Uncertain significance (2). Last evaluated 2026-08-06.

Conditions:
Cornelia de Lange syndrome 1 (CDLS1). Also called: TYPUS DEGENERATIVUS AMSTELODAMENSIS; Brachmann de Lange syndrome; NIPBL-Related Cornelia de Lange Syndrome. Identifiers: Orphanet 199, MedGen C4551851, MONDO:0007387, OMIM 122470.

Allele frequency attached by ClinVar (database versions not stated): ExAC 0.00002.
gnomAD v4.1: 21 of 1,582,342 alleles (0.0013%); highest among the groups gnomAD compares: Admixed American, 0.02%; no homozygotes.

Submissions (2):

OLLIN Analises Genomicas, OLLIN
Classification: Uncertain significance for Cornelia de Lange syndrome 1. Last evaluated: 2026-08-06. Review status: criteria provided, single submitter. Criteria: ACMG Guidelines 2015 PMID 25741868. Collection method: clinical testing. Allele origin: germline. Inheritance: Autosomal dominant inheritance.
Comment: This variant, has been reported in ClinVar (accession VCV002960638.3) and in gnomAD with an allele frequency of 0.0013%. However, to our knowledge, it has not been reported in the scientific literature. According to the currently available evidence, this variant has been classified as uncertain significance (PP3, BS1).

Labcorp Genetics (formerly Invitae), Labcorp
Classification: Uncertain significance for Cornelia de Lange syndrome 1. Last evaluated: 2026-01-27. Review status: criteria provided, single submitter. Criteria: Invitae Variant Classification Sherloc (09022015). Collection method: clinical testing. Allele origin: germline.
Comment: This sequence change falls in intron 8 of the NIPBL gene. It does not directly change the encoded amino acid sequence of the NIPBL protein. It affects a nucleotide within the consensus splice site. This variant is present in population databases (rs751127087, gnomAD 0.01%). This variant has not been reported in the literature in individuals affected with NIPBL-related conditions. ClinVar contains an entry for this variant (Variation ID: 2960638). Variants that disrupt the consensus splice site are a relatively common cause of aberrant splicing (PMID: 17576681, 9536098). Algorithms developed to predict the effect of sequence changes on RNA splicing suggest that this variant is not likely to affect RNA splicing. In summary, the available evidence is currently insufficient to determine the role of this variant in disease. Therefore, it has been classified as a Variant of Uncertain Significance.

Literature cited by the submitters: PubMed 17576681 (cited by Labcorp Genetics (formerly Invitae), Labcorp); PubMed 9536098 (cited by Labcorp Genetics (formerly Invitae), Labcorp).

NM_133433.4(NIPBL):c.868+4C>G

Gene: NIPBL (NIPBL cohesin loading factor; plus strand). Cytogenetic location: 5p13.2.
Variant type: single nucleotide variant.
Coding change: c.868+4C>G on transcript NM_133433.4 (MANE Select); 4 bases into the intron after coding-DNA position 868, C replaced by G.
Molecular consequence: intron variant.
Genome position (GRCh38, 1-based): chr5:36,972,045, C>G. VCF-style: chr5-36972045-C-G. GRCh37 (hg19) VCF-style: chr5-36972147-C-G.
Other names: c.868+4C>G (NM_015384.5).
Identifiers: ClinVar variation 2960638 (VCV002960638.4), dbSNP rs751127087, ClinGen allele CA3235943.